The following is an entry in ClinVar:

ClinVar aggregate classification (germline): Uncertain significance (1 of 4 stars; one submission).

Submission:

Labcorp Genetics (formerly Invitae), Labcorp
Classification: Uncertain significance. Last evaluated: 2022-06-27. Review status: criteria provided, single submitter. Criteria: Invitae Variant Classification Sherloc (09022015). Collection method: clinical testing. Allele origin: germline.
Comment: This variant is not present in population databases (gnomAD no frequency). This sequence change replaces valine, which is neutral and non-polar, with leucine, which is neutral and non-polar, at codon 509 of the MMP2 protein (p.Val509Leu). This variant has not been reported in the literature in individuals affected with MMP2-related conditions. In summary, the available evidence is currently insufficient to determine the role of this variant in disease. Therefore, it has been classified as a Variant of Uncertain Significance. Algorithms developed to predict the effect of missense changes on protein structure and function (SIFT, PolyPhen-2, Align-GVGD) all suggest that this variant is likely to be tolerated.

NM_004530.6(MMP2):c.1525G>T (p.Val509Leu)

Gene: MMP2 (matrix metallopeptidase 2; plus strand). Cytogenetic location: 16q12.2.
Variant type: single nucleotide variant.
Coding change: c.1525G>T on transcript NM_004530.6 (MANE Select); coding-DNA position 1525, G replaced by T.
Protein change: p.Val509Leu; replaces valine 509 with leucine.
Molecular consequence: missense variant.
Genome position (GRCh38, 1-based): chr16:55,496,978, G>T. VCF-style: chr16-55496978-G-T. GRCh37 (hg19) VCF-style: chr16-55530890-G-T.
Other names: c.1375G>T, p.Val459Leu (NM_001127891.3); c.1297G>T, p.Val433Leu (NM_001302508.1, NM_001302509.2, NM_001302510.2); short protein forms V459L, V509L, V433L.
Identifiers: ClinVar variation 1959472 (VCV001959472.5), dbSNP rs2543535023, ClinGen allele CA395937438.